The following is an entry in ClinVar:

NM_022124.6(CDH23):c.1036C>T (p.Pro346Ser)

Gene: CDH23 (cadherin related 23; plus strand). Cytogenetic location: 10q22.1.
Variant type: single nucleotide variant.
Coding change: c.1036C>T on transcript NM_022124.6 (MANE Select); coding-DNA position 1036, C replaced by T.
Protein change: p.Pro346Ser; replaces proline 346 with serine.
Molecular consequence: missense variant.
Genome position (GRCh38, 1-based): chr10:71,617,295, C>T. VCF-style: chr10-71617295-C-T. GRCh37 (hg19) VCF-style: chr10-73377052-C-T.
Other names: c.1036C>T, p.Pro346Ser (NM_001171930.2, NM_001171931.2, NM_001171932.2 and 1 more transcripts); short protein forms P346S.
Identifiers: ClinVar variation 402250 (VCV000402250.6), dbSNP rs1060499791, ClinGen allele CA16609569.
Genomic context (GRCh38, chr10:71,617,295, plus strand): 5'-TCTGACGCTACAGTCACCACGACCTTCAATATCCTGGTTATTGACATCAATGACAATGCC[C>T]CGGAGTTCAACAGCTCCGAGTACAGCGTGGCCATCACTGAGCTGGCACAGGTCGGCTTTG-3'
Protein context (NP_071407.4, residues 336-356): ILVIDINDNA[Pro346Ser]EFNSSEYSVA

ClinVar aggregate classification (germline): Pathogenic/Likely pathogenic. Review status: criteria provided, multiple submitters, no conflicts (2 of 4 stars). 4 submissions from 4 submitters: Pathogenic (2); Likely pathogenic (1). 1 of the submissions does not count toward it. Last evaluated 2023-07-28.

Conditions:
Autosomal recessive nonsyndromic hearing loss 12. Also called: DEAFNESS, AUTOSOMAL RECESSIVE 12. Identifiers: Orphanet 90636, MedGen C1832394, MONDO:0011067, OMIM 601386.

Submissions (4):

Labcorp Genetics (formerly Invitae), Labcorp
Classification: Pathogenic. Last evaluated: 2023-07-28. Review status: criteria provided, single submitter. Criteria: Invitae Variant Classification Sherloc (09022015). Collection method: clinical testing. Allele origin: germline.
Comment: This missense change has been observed in individual(s) with deafness (PMID: 19888295). It has also been observed to segregate with disease in related individuals. This sequence change replaces proline, which is neutral and non-polar, with serine, which is neutral and polar, at codon 346 of the CDH23 protein (p.Pro346Ser). This variant is not present in population databases (gnomAD no frequency). ClinVar contains an entry for this variant (Variation ID: 402250). Advanced modeling of protein sequence and biophysical properties (such as structural, functional, and spatial information, amino acid conservation, physicochemical variation, residue mobility, and thermodynamic stability) performed at Invitae indicates that this missense variant is expected to disrupt CDH23 protein function. This variant disrupts the p.Pro346Leu amino acid residue in CDH23. Other variant(s) that disrupt this residue have been determined to be pathogenic (PMID: 19888295). This suggests that this residue is clinically significant, and that variants that disrupt this residue are likely to be disease-causing. For these reasons, this variant has been classified as Pathogenic.

King Laboratory, University of Washington
Classification: Likely pathogenic for Autosomal recessive nonsyndromic hearing loss 12. Last evaluated: 2020-08-01. Review status: criteria provided, single submitter. Criteria: Abu Rayyan A et al. (Proc Natl Acad Sci U S A 2020). Collection method: research. Allele origin: germline. Affected: yes.
Comment: CDH23 c.1036C>T, p.P346S alters a highly conserved residue of CDH23. The variant is homozygous in 8 children from 3 Palestinian families with pre-lingual hearing loss (Abu Rayyan 2020). The variant is absent from 1300 Palestinian controls and from gnomAD v2.1.1.

Division of Hearing and Balance Research, National Hospital Organization Tokyo Medical Center
Classification: Pathogenic for Autosomal recessive nonsyndromic hearing loss 12. Last evaluated: 2017-07-01. Review status: criteria provided, single submitter. Criteria: Submitter's publication. Collection method: clinical testing. Allele origin: germline. Affected: yes. Observed: 1 variant allele.

Hereditary Research Laboratory, Bethlehem University
Classification: Pathogenic for Autosomal recessive nonsyndromic hearing loss 12. Last evaluated: 2016-06-04. Review status: no assertion criteria provided. Collection method: research. Allele origin: germline. Affected: yes. Not counted in ClinVar's aggregate classification.

Literature cited by the submitters: PubMed 19888295 (cited by Labcorp Genetics (formerly Invitae), Labcorp).